The following is an entry in ClinVar:

NM_017514.5(PLXNA3):c.3759C>T (p.Leu1253=)

Gene: PLXNA3 (plexin A3; plus strand). Cytogenetic location: Xq28.
Variant type: single nucleotide variant.
Coding change: c.3759C>T on transcript NM_017514.5 (MANE Select); coding-DNA position 3759, C replaced by T.
Protein change: p.Leu1253=; no amino-acid change (leucine 1253 retained).
Molecular consequence: synonymous variant.
Genome position (GRCh38, 1-based): chrX:154,467,940, C>T. VCF-style: chrX-154467940-C-T. GRCh37 (hg19) VCF-style: chrX-153696283-C-T.
Identifiers: ClinVar variation 4990595 (VCV004990595.1).

ClinVar aggregate classification (germline): Likely benign (1 of 4 stars; one submission).

Conditions:
PLXNA3-related disorder. Also called: PLXNA3-related condition.

gnomAD v4.1: 1 of 1,210,927 alleles (0.000083%); highest among the groups gnomAD compares: Non-Finnish European, 0.00011%; no homozygotes.

Submission:

PreventionGenetics, part of Exact Sciences
Classification: Likely benign for PLXNA3-related condition. Last evaluated: 2026-01-25. Review status: criteria provided, single submitter. Criteria: ACMG Guidelines, 2015. Collection method: clinical testing. Allele origin: germline.
Comment: This variant is classified as likely benign based on ACMG/AMP sequence variant interpretation guidelines (Richards et al. 2015 PMID: 25741868, with internal and published modifications).